The following is an entry in ClinVar:

NM_014444.5(TUBGCP4):c.1065+1G>C

Gene: TUBGCP4 (tubulin gamma complex component 4; plus strand). Cytogenetic location: 15q15.3.
Variant type: single nucleotide variant.
Coding change: c.1065+1G>C on transcript NM_014444.5 (MANE Select); the canonical splice donor site of the intron after coding-DNA position 1065, G replaced by C.
Molecular consequence: splice donor variant.
Genome position (GRCh38, 1-based): chr15:43,395,158, G>C. VCF-style: chr15-43395158-G-C. GRCh37 (hg19) VCF-style: chr15-43687356-G-C.
Other names: c.1065+1G>C (NM_001286414.3).
Identifiers: ClinVar variation 1068381 (VCV001068381.7), dbSNP rs2142857246, ClinGen allele CA392128828.

ClinVar aggregate classification (germline): Likely pathogenic (1 of 4 stars; one submission).

Submission:

Labcorp Genetics (formerly Invitae), Labcorp
Classification: Likely pathogenic. Last evaluated: 2022-02-04. Review status: criteria provided, single submitter. Criteria: Invitae Variant Classification Sherloc (09022015). Collection method: clinical testing. Allele origin: germline.
Comment: Algorithms developed to predict the effect of sequence changes on RNA splicing suggest that this variant may disrupt the consensus splice site. In summary, the currently available evidence indicates that the variant is pathogenic, but additional data are needed to prove that conclusively. Therefore, this variant has been classified as Likely Pathogenic. ClinVar contains an entry for this variant (Variation ID: 1068381). This variant has not been reported in the literature in individuals affected with TUBGCP4-related conditions. This variant is not present in population databases (gnomAD no frequency). This sequence change affects a donor splice site in intron 10 of the TUBGCP4 gene. It is expected to disrupt RNA splicing. Variants that disrupt the donor or acceptor splice site typically lead to a loss of protein function (PMID: 16199547), and loss-of-function variants in TUBGCP4 are known to be pathogenic (PMID: 25817018).

Literature cited by the submitters: PubMed 16199547; PubMed 25817018.